The following is an entry in ClinVar:

NM_201378.4(PLEC):c.71-11572T>A

Gene: PLEC (plectin; minus strand). Cytogenetic location: 8q24.3.
Variant type: single nucleotide variant.
Coding change: c.71-11572T>A on transcript NM_201378.4 (MANE Plus Clinical); 11572 bases into the intron before coding-DNA position 71, T replaced by A.
Molecular consequence: intron variant. On other transcripts: missense variant (1).
Genome position (GRCh38, 1-based): chr8:143,950,264, A>T on the plus strand (T>A on the coding strand, the complement: PLEC is on the minus strand). VCF-style: chr8-143950264-A-T. GRCh37 (hg19) VCF-style: chr8-145024432-A-T.
Other names: c.443T>A, p.Val148Glu (NM_201380.4); c.194-11572T>A (NM_001410941.1, NM_000445.5); c.46+3462T>A (NM_201379.3); short protein forms V148E.
Identifiers: ClinVar variation 4902036 (VCV004902036.2).

ClinVar aggregate classification (germline): Likely benign. Review status: criteria provided, multiple submitters, no conflicts (2 of 4 stars). 2 submissions from 2 submitters: Likely benign (2). Last evaluated 2026-01-28.

Conditions:
PLEC-related disorder. Also called: PLEC-related condition; PLEC-related disorders.

Submissions (2):

PreventionGenetics, part of Exact Sciences
Classification: Likely benign for PLEC-related condition. Last evaluated: 2026-01-28. Review status: criteria provided, single submitter. Criteria: ACMG Guidelines, 2015. Collection method: clinical testing. Allele origin: germline.
Comment: This variant is classified as likely benign based on ACMG/AMP sequence variant interpretation guidelines (Richards et al. 2015 PMID: 25741868, with internal and published modifications).

Blueprint Genetics
Classification: Likely benign. Last evaluated: 2022-06-01. Review status: criteria provided, single submitter. Criteria: ACMG Guidelines, 2015. Collection method: clinical testing. Allele origin: germline.